The following is an entry in ClinVar:

ClinVar aggregate classification (germline): Pathogenic (1 of 4 stars; one submission).

Conditions:
Marfan syndrome (MFS). Also called: MARFAN SYNDROME, TYPE I; Marfan syndrome type 1; Marfan's syndrome; Marfan syndrome, classic; FBN1-Related Marfan Syndrome. Identifiers: Orphanet 284963, Orphanet 558, MedGen C0024796, MONDO:0007947, OMIM 154700.
Familial thoracic aortic aneurysm and aortic dissection (TAAD). Also called: Thoracic aortic aneurysms and dissections. Identifiers: Orphanet 91387, MedGen C4707243, MONDO:0019625.

Submission:

Labcorp Genetics (formerly Invitae), Labcorp
Classification: Pathogenic for Marfan syndrome; Familial thoracic aortic aneurysm and aortic dissection. Last evaluated: 2023-01-03. Review status: criteria provided, single submitter. Criteria: Invitae Variant Classification Sherloc (09022015). Collection method: clinical testing. Allele origin: germline.
Comment: For these reasons, this variant has been classified as Pathogenic. This variant disrupts the p.Cys2509 amino acid residue in FBN1. Other variant(s) that disrupt this residue have been observed in individuals with FBN1-related conditions (PMID: 19293843, 26787436; Invitae), which suggests that this may be a clinically significant amino acid residue. This variant affects a cysteine residue in the EGF-like, TGFBP or hybrid motif domains of FBN1. Cysteine residues are believed to be involved in intramolecular disulfide bridges and have been shown to be important for FBN1 protein structure (PMID: 16905551, 19349279). In addition, missense substitutions affecting cysteine residues within these domains are significantly overrepresented among patients with Marfan syndrome (PMID: 16571647, 17701892). Advanced modeling of protein sequence and biophysical properties (such as structural, functional, and spatial information, amino acid conservation, physicochemical variation, residue mobility, and thermodynamic stability) performed at Invitae indicates that this missense variant is expected to disrupt FBN1 protein function. This missense change has been observed in individual(s) with Marfan syndrome (PMID: 19293843). This variant is not present in population databases (gnomAD no frequency). This sequence change replaces cysteine, which is neutral and slightly polar, with tyrosine, which is neutral and polar, at codon 2509 of the FBN1 protein (p.Cys2509Tyr).

Literature cited by the submitters: PubMed 19293843; PubMed 26787436; PubMed 16905551; PubMed 19349279; PubMed 16571647; PubMed 17701892.

NM_000138.5(FBN1):c.7526G>A (p.Cys2509Tyr)

Gene: FBN1 (fibrillin 1; minus strand). Cytogenetic location: 15q21.1.
Variant type: single nucleotide variant.
Coding change: c.7526G>A on transcript NM_000138.5 (MANE Select); coding-DNA position 7526, G replaced by A.
Protein change: p.Cys2509Tyr; replaces cysteine 2509 with tyrosine.
Molecular consequence: missense variant.
Genome position (GRCh38, 1-based): chr15:48,421,996, C>T on the plus strand (G>A on the coding strand, the complement: FBN1 is on the minus strand). VCF-style: chr15-48421996-C-T. GRCh37 (hg19) VCF-style: chr15-48714193-C-T.
Other names: c.7526G>A, p.Cys2509Tyr (NM_001406716.1); short protein forms C2509Y.
Identifiers: ClinVar variation 2925531 (VCV002925531.3), dbSNP rs2505399550, ClinGen allele CA392325923.